The following is an entry in ClinVar:

ClinVar aggregate classification (germline): Benign/Likely benign. Review status: criteria provided, multiple submitters, no conflicts (2 of 4 stars). 5 submissions from 4 submitters: Benign (1); Likely benign (4). Last evaluated 2026-02-01.

Conditions:
Lethal multiple pterygium syndrome (LMPS). Identifiers: Orphanet 33108, MedGen C1854678, MONDO:0009668, OMIM 253290.
Congenital myasthenic syndrome (CMS). Also called: Congenital Myasthenic Syndromes. Identifiers: Orphanet 590, MedGen C0751882, MeSH D020294, MONDO:0018940.

Allele frequency attached by ClinVar (database versions not stated): gnomAD 0.00008 and 0.00042; TOPMed 0.00008; ESP Exome Variant Server 0.00015; gnomAD exomes 0.00061 and 0.00115; ExAC 0.00120; 1000 Genomes Project 30x 0.00125; 1000 Genomes Project 0.00160.
gnomAD v4.1: 957 of 1,614,200 alleles (0.059%); highest among the groups gnomAD compares: South Asian, 0.89%; 9 homozygotes.

Submissions (5):

Labcorp Genetics (formerly Invitae), Labcorp
Classification: Benign for Lethal multiple pterygium syndrome. Last evaluated: 2026-02-01. Review status: criteria provided, single submitter. Criteria: Invitae Variant Classification Sherloc (09022015). Collection method: clinical testing. Allele origin: germline.

CeGaT Center for Human Genetics Tuebingen
Classification: Likely benign. Last evaluated: 2023-10-01. Review status: criteria provided, single submitter. Criteria: CeGaT Center For Human Genetics Tuebingen Variant Classification Criteria Version 2. Collection method: clinical testing. Allele origin: germline. Affected: yes. Observed: 3 variant alleles.
Comment: CHRNA1: PM2:Supporting, BP4, BP7

Illumina Laboratory Services, Illumina
Classification: Likely benign for Congenital myasthenic syndrome. Last evaluated: 2018-01-12. Review status: criteria provided, single submitter. Criteria: ICSL Variant Classification Criteria 13 December 2019. Collection method: clinical testing. Allele origin: germline.
Comment: This variant was observed in the ICSL laboratory as part of a predisposition screen in an ostensibly healthy population. It had not been previously curated by ICSL or reported in the Human Gene Mutation Database (HGMD: prior to June 1st, 2018), and was therefore a candidate for classification through an automated scoring system. Utilizing variant allele frequency, disease prevalence and penetrance estimates, and inheritance mode, an automated score was calculated to assess if this variant is too frequent to cause the disease. Based on the score and internal cut-off values, a variant classified as likely benign is not then subjected to further curation. The score for this variant resulted in a classification of likely benign for this disease.

Illumina Laboratory Services, Illumina
Classification: Likely benign for Lethal multiple pterygium syndrome. Last evaluated: 2018-01-12. Review status: criteria provided, single submitter. Criteria: ICSL Variant Classification Criteria 13 December 2019. Collection method: clinical testing. Allele origin: germline.
Comment: the same text as in the submission from Illumina Laboratory Services, Illumina above.

Breakthrough Genomics
Classification: Likely benign. Review status: criteria provided, single submitter. Criteria: ACMG Guidelines, 2015. Collection method: not provided. Allele origin: germline. Inheritance: Autosomal recessive inheritance. Affected: yes.

NM_000079.4(CHRNA1):c.723C>T (p.Pro241=)

Gene: CHRNA1 (cholinergic receptor nicotinic alpha 1 subunit; minus strand). Cytogenetic location: 2q31.1.
Variant type: single nucleotide variant.
Coding change: c.723C>T on transcript NM_000079.4 (MANE Select); coding-DNA position 723, C replaced by T.
Protein change: p.Pro241=; no amino-acid change (proline 241 retained).
Molecular consequence: synonymous variant.
Genome position (GRCh38, 1-based): chr2:174,753,558, G>A on the plus strand (C>T on the coding strand, the complement: CHRNA1 is on the minus strand). VCF-style: chr2-174753558-G-A. GRCh37 (hg19) VCF-style: chr2-175618286-G-A.
Other names: c.798C>T, p.Pro266= (NM_001039523.3).
Identifiers: ClinVar variation 493302 (VCV000493302.57), dbSNP rs189442556, ClinGen allele CA1974486.